The following is an entry in ClinVar:

ClinVar aggregate classification (germline): Uncertain significance (1 of 4 stars; one submission).

gnomAD v4.1: 2 of 1,614,076 alleles (0.00012%); highest among the groups gnomAD compares: East Asian, 0.0022%; no homozygotes.

Submission:

Labcorp Genetics (formerly Invitae), Labcorp
Classification: Uncertain significance. Last evaluated: 2023-10-10. Review status: criteria provided, single submitter. Criteria: Invitae Variant Classification Sherloc (09022015). Collection method: clinical testing. Allele origin: germline.
Comment: This sequence change replaces cysteine, which is neutral and slightly polar, with arginine, which is basic and polar, at codon 387 of the LBR protein (p.Cys387Arg). This variant is present in population databases (no rsID available, gnomAD 0.003%). This variant has not been reported in the literature in individuals affected with LBR-related conditions. Advanced modeling of protein sequence and biophysical properties (such as structural, functional, and spatial information, amino acid conservation, physicochemical variation, residue mobility, and thermodynamic stability) performed at Invitae indicates that this missense variant is expected to disrupt LBR protein function. In summary, the available evidence is currently insufficient to determine the role of this variant in disease. Therefore, it has been classified as a Variant of Uncertain Significance.

NM_002296.4(LBR):c.1159T>C (p.Cys387Arg)

Gene: LBR (lamin B receptor; minus strand). Cytogenetic location: 1q42.12.
Variant type: single nucleotide variant.
Coding change: c.1159T>C on transcript NM_002296.4 (MANE Select); coding-DNA position 1159, T replaced by C.
Protein change: p.Cys387Arg; replaces cysteine 387 with arginine.
Molecular consequence: missense variant.
Genome position (GRCh38, 1-based): chr1:225,411,366, A>G on the plus strand (T>C on the coding strand, the complement: LBR is on the minus strand). VCF-style: chr1-225411366-A-G. GRCh37 (hg19) VCF-style: chr1-225599068-A-G.
Other names: c.1159T>C, p.Cys387Arg (NM_194442.3); short protein forms C387R.
Identifiers: ClinVar variation 2767495 (VCV002767495.3), dbSNP rs1444402654, ClinGen allele CA344996462.